The following is an entry in ClinVar:

ClinVar aggregate classification (germline): Uncertain significance. Review status: criteria provided, multiple submitters, no conflicts (2 of 4 stars). 2 submissions from 2 submitters: Uncertain significance (2). Last evaluated 2024-09-25.

Allele frequency attached by ClinVar (database versions not stated): gnomAD exomes below 0.00001; TOPMed below 0.00001; ExAC 0.00001; gnomAD 0.00001.

Submissions (2):

Ambry Genetics
Classification: Uncertain significance. Last evaluated: 2024-09-25. Review status: criteria provided, single submitter. Criteria: Ambry Variant Classification Scheme 2023. Collection method: clinical testing. Allele origin: germline.

Labcorp Genetics (formerly Invitae), Labcorp
Classification: Uncertain significance. Last evaluated: 2022-02-25. Review status: criteria provided, single submitter. Criteria: Invitae Variant Classification Sherloc (09022015). Collection method: clinical testing. Allele origin: germline.
Comment: In summary, the available evidence is currently insufficient to determine the role of this variant in disease. Therefore, it has been classified as a Variant of Uncertain Significance. Algorithms developed to predict the effect of missense changes on protein structure and function are either unavailable or do not agree on the potential impact of this missense change (SIFT: "Deleterious"; PolyPhen-2: "Benign"; Align-GVGD: "Class C45"). This variant has not been reported in the literature in individuals affected with IL6R-related conditions. This variant is present in population databases (rs756266635, gnomAD 0.0009%). This sequence change replaces methionine, which is neutral and non-polar, with threonine, which is neutral and polar, at codon 192 of the IL6R protein (p.Met192Thr).

NM_000565.4(IL6R):c.575T>C (p.Met192Thr)

Gene: IL6R (interleukin 6 receptor; plus strand). Cytogenetic location: 1q21.3.
Variant type: single nucleotide variant.
Coding change: c.575T>C on transcript NM_000565.4 (MANE Select); coding-DNA position 575, T replaced by C.
Protein change: p.Met192Thr; replaces methionine 192 with threonine.
Molecular consequence: missense variant.
Genome position (GRCh38, 1-based): chr1:154,434,635, T>C. VCF-style: chr1-154434635-T-C. GRCh37 (hg19) VCF-style: chr1-154407111-T-C.
Other names: c.575T>C, p.Met192Thr (NM_001206866.2, NM_001382769.1, NM_001382770.1 and 4 more transcripts); c.215T>C, p.Met72Thr (NM_001382774.1); c.575T>C (NM_000565.3); short protein forms M192T, M72T.
Identifiers: ClinVar variation 1520661 (VCV001520661.9), dbSNP rs756266635, ClinGen allele CA1129057.